The following is an entry in ClinVar:

ClinVar aggregate classification (germline): Uncertain significance (1 of 4 stars; one submission).

Conditions:
Charcot-Marie-Tooth disease axonal type 2O. Also called: CHARCOT-MARIE-TOOTH NEUROPATHY, AXONAL, TYPE 2O; CHARCOT-MARIE-TOOTH DISEASE, AXONAL, AUTOSOMAL DOMINANT, TYPE 2O; Charcot-Marie-Tooth Neuropathy Type 2O; Charcot-Marie-Tooth disease, axonal, type 20. Identifiers: Orphanet 284232, MedGen C3280220, MONDO:0013644, OMIM 614228.

Submission:

Labcorp Genetics (formerly Invitae), Labcorp
Classification: Uncertain significance for Charcot-Marie-Tooth disease axonal type 2O. Last evaluated: 2025-10-19. Review status: criteria provided, single submitter. Criteria: Invitae Variant Classification Sherloc (09022015). Collection method: clinical testing. Allele origin: germline.
Comment: This sequence change replaces aspartic acid, which is acidic and polar, with glycine, which is neutral and non-polar, at codon 3617 of the DYNC1H1 protein (p.Asp3617Gly). This variant is not present in population databases (gnomAD no frequency). This variant has not been reported in the literature in individuals affected with DYNC1H1-related conditions. ClinVar contains an entry for this variant (Variation ID: 1390115). Invitae Evidence Modeling of protein sequence and biophysical properties (such as structural, functional, and spatial information, amino acid conservation, physicochemical variation, residue mobility, and thermodynamic stability) indicates that this missense variant is not expected to disrupt DYNC1H1 protein function with a negative predictive value of 95%. In summary, the available evidence is currently insufficient to determine the role of this variant in disease. Therefore, it has been classified as a Variant of Uncertain Significance.

NM_001376.5(DYNC1H1):c.10850A>G (p.Asp3617Gly)

Gene: DYNC1H1 (dynein cytoplasmic 1 heavy chain 1; plus strand). Cytogenetic location: 14q32.31.
Variant type: single nucleotide variant.
Coding change: c.10850A>G on transcript NM_001376.5 (MANE Select); coding-DNA position 10850, A replaced by G.
Protein change: p.Asp3617Gly; replaces aspartic acid 3617 with glycine.
Molecular consequence: missense variant.
Genome position (GRCh38, 1-based): chr14:102,036,584, A>G. VCF-style: chr14-102036584-A-G. GRCh37 (hg19) VCF-style: chr14-102502921-A-G.
Other names: short protein forms D3617G.
Identifiers: ClinVar variation 1390115 (VCV001390115.6), dbSNP rs2152593675, ClinGen allele CA391029913.